The following is an entry in ClinVar:

NM_001127217.3(SMAD9):c.281G>C (p.Arg94Pro)

Gene: SMAD9 (SMAD family member 9; minus strand). Cytogenetic location: 13q13.3.
Variant type: single nucleotide variant.
Coding change: c.281G>C on transcript NM_001127217.3 (MANE Select); coding-DNA position 281, G replaced by C.
Protein change: p.Arg94Pro; replaces arginine 94 with proline.
Molecular consequence: missense variant.
Genome position (GRCh38, 1-based): chr13:36,879,409, C>G on the plus strand (G>C on the coding strand, the complement: SMAD9 is on the minus strand). VCF-style: chr13-36879409-C-G. GRCh37 (hg19) VCF-style: chr13-37453546-C-G.
Other names: c.281G>C, p.Arg94Pro (NM_001378621.1, NM_005905.6); short protein forms R94P.
Identifiers: ClinVar variation 1696748 (VCV001696748.1), dbSNP rs748334459, ClinGen allele CA6950606.

ClinVar aggregate classification (germline): Uncertain significance (1 of 4 stars; one submission).

Conditions:
Pulmonary hypertension, primary, 2. Identifiers: Orphanet 422, MedGen C3888002, MONDO:0014134, OMIM 615342.

Submission:

New York Genome Center
Classification: Uncertain significance for Pulmonary hypertension, primary, 2. Last evaluated: 2021-06-04. Review status: criteria provided, single submitter. Criteria: NYGC Assertion Criteria 2020. Collection method: clinical testing. Allele origin: germline. Observed: 1 homozygote. Study: CSER-NYCKidSeq.
Comment: The homozygous c.281G>C (p.Arg94Pro) variant identified in the SMAD9 gene substitutes a very well conserved Arginine for Proline at amino acid94/468 (exon 2/7). This variant is found with low frequency in gnomAD(v3.1.1) (1 heterozygote, 0 homozygotes; allele frequency:6.57e-6) suggesting it is not a common benign variant in the populations represented in that database. In silico algorithms predict this variant to be Damaging (SIFT; score:0.00) and Pathogenic (REVEL;score: 0.819) to the function of the canonical transcript. This variant is absent from ClinVar and to our current knowledge has not been reported in affected individuals in the literature. The p.Arg94 residue is within the first N-Terminal Mad Homology (MH1) domain of SMAD9 (UniProtKB:O15198) where other variants have been identified in affected individuals [PMID:29650961]. The homozygous c.281G>C (p.Arg94Pro) variant identified in the SMAD9 gene is reported here as a Variant of Uncertain Significance.